The following is an entry in ClinVar:

ClinVar aggregate classification (germline): Benign/Likely benign. Review status: criteria provided, multiple submitters, no conflicts (2 of 4 stars). 3 submissions from 3 submitters: Benign (1); Likely benign (2). Last evaluated 2025-12-05.

Conditions:
Hereditary cancer-predisposing syndrome. Also called: Tumor predisposition; Neoplastic Syndromes, Hereditary; Hereditary neoplastic syndrome; Hereditary Cancer Syndrome. Identifiers: Orphanet 140162, MedGen C0027672, MeSH D009386, MONDO:0015356.
Lynch syndrome 5 (LYNCH5). Also called: Hereditary non-polyposis colorectal cancer, type 5; Colorectal cancer, hereditary nonpolyposis, type 5. Identifiers: Orphanet 144, MedGen C1833477, MONDO:0013710, OMIM 614350. Disease mechanism: loss of function.

Submissions (3):

Women's Health and Genetics/Laboratory Corporation of America, LabCorp
Classification: Likely benign. Last evaluated: 2025-12-05. Review status: criteria provided, single submitter. Criteria: LabCorp Variant Classification Summary - May 2015. Collection method: clinical testing. Allele origin: germline.

Myriad Genetics, Inc.
Classification: Benign for Lynch syndrome 5. Last evaluated: 2025-01-08. Review status: criteria provided, single submitter. Criteria: Myriad Autosomal Dominant, Autosomal Recessive and X-Linked Classification Criteria (2023). Collection method: clinical testing. Allele origin: unknown.
Comment: This variant is considered benign. This variant is a silent/synonymous amino acid change and it is not expected to impact splicing.

Color Diagnostics, LLC DBA Color Health
Classification: Likely benign for Hereditary cancer-predisposing syndrome. Last evaluated: 2018-02-23. Review status: criteria provided, single submitter. Criteria: ACMG Guidelines, 2015. Collection method: clinical testing. Allele origin: germline.

NM_000179.3(MSH6):c.3927A>G (p.Pro1309=)

Gene: MSH6 (mutS homolog 6; plus strand). Cytogenetic location: 2p16.3.
Variant type: single nucleotide variant.
Coding change: c.3927A>G on transcript NM_000179.3 (MANE Select); coding-DNA position 3927, A replaced by G.
Protein change: p.Pro1309=; no amino-acid change (proline 1309 retained).
Molecular consequence: synonymous variant.
Genome position (GRCh38, 1-based): chr2:47,806,577, A>G. VCF-style: chr2-47806577-A-G. GRCh37 (hg19) VCF-style: chr2-48033716-A-G.
Other names: c.3537A>G, p.Pro1179= (NM_001281492.2); c.3021A>G, p.Pro1007= (NM_001281493.2, NM_001281494.2).
Identifiers: ClinVar variation 631402 (VCV000631402.4), dbSNP rs1553333611, ClinGen allele CA426122164.